The following is an entry in ClinVar:

NM_020937.4(FANCM):c.4271G>T (p.Arg1424Leu)

Gene: FANCM (FA complementation group M; plus strand). Cytogenetic location: 14q21.2.
Variant type: single nucleotide variant.
Coding change: c.4271G>T on transcript NM_020937.4 (MANE Select); coding-DNA position 4271, G replaced by T.
Protein change: p.Arg1424Leu; replaces arginine 1424 with leucine.
Molecular consequence: missense variant.
Genome position (GRCh38, 1-based): chr14:45,181,478, G>T. VCF-style: chr14-45181478-G-T. GRCh37 (hg19) VCF-style: chr14-45650681-G-T.
Other names: c.4193G>T, p.Arg1398Leu (NM_001308133.2); short protein forms R1424L, R1398L.
Identifiers: ClinVar variation 3693532 (VCV003693532.2).

ClinVar aggregate classification (germline): Uncertain significance (1 of 4 stars; one submission).

Conditions:
Fanconi anemia (FA). Also called: Fanconi's anemia. Identifiers: Orphanet 84, MedGen C0015625, MeSH D005199, MONDO:0019391.

gnomAD v4.1: 1 of 1,608,544 alleles (0.000062%); highest among the groups gnomAD compares: East Asian, 0.0022%; no homozygotes.

Submission:

Labcorp Genetics (formerly Invitae), Labcorp
Classification: Uncertain significance for Fanconi anemia. Last evaluated: 2024-02-17. Review status: criteria provided, single submitter. Criteria: Invitae Variant Classification Sherloc (09022015). Collection method: clinical testing. Allele origin: germline.
Comment: This sequence change replaces arginine, which is basic and polar, with leucine, which is neutral and non-polar, at codon 1424 of the FANCM protein (p.Arg1424Leu). This variant is not present in population databases (gnomAD no frequency). This variant has not been reported in the literature in individuals affected with FANCM-related conditions. Algorithms developed to predict the effect of missense changes on protein structure and function output the following: SIFT: "Not Available"; PolyPhen-2: "Benign"; Align-GVGD: "Not Available". The leucine amino acid residue is found in multiple mammalian species, which suggests that this missense change does not adversely affect protein function. In summary, the available evidence is currently insufficient to determine the role of this variant in disease. Therefore, it has been classified as a Variant of Uncertain Significance.